The following is an entry in ClinVar:

ClinVar aggregate classification (germline): Uncertain significance (1 of 4 stars; one submission).

Conditions:
Autosomal recessive limb-girdle muscular dystrophy type 2O. Also called: Limb-Girdle Muscular Dystrophy Type 3C; MUSCULAR DYSTROPHY-DYSTROGLYCANOPATHY (LIMB-GIRDLE), TYPE C, 3; MUSCULAR DYSTROPHY-DYSTROGLYCANOPATHY, LIMB-GIRDLE, POMGNT1-RELATED. Identifiers: Orphanet 206564, MedGen C3150417, MONDO:0013161, OMIM 613157.
Muscular dystrophy-dystroglycanopathy (congenital with impaired intellectual development), type B, 3. Also called: MUSCULAR DYSTROPHY, CONGENITAL, POMGNT1-RELATED; Muscular dystrophy-dystroglycanopathy (congenital with intellectual disability), type B3. Identifiers: MedGen C3150412, MONDO:0013155, OMIM 613151.

Submission:

Labcorp Genetics (formerly Invitae), Labcorp
Classification: Uncertain significance for Autosomal recessive limb-girdle muscular dystrophy type 2O; Muscular dystrophy-dystroglycanopathy (congenital with impaired intellectual development), type B, 3. Last evaluated: 2021-06-05. Review status: criteria provided, single submitter. Criteria: Invitae Variant Classification Sherloc (09022015). Collection method: clinical testing. Allele origin: germline.
Comment: In summary, the available evidence is currently insufficient to determine the role of this variant in disease. Therefore, it has been classified as a Variant of Uncertain Significance. Algorithms developed to predict the effect of sequence changes on RNA splicing suggest that this variant may create or strengthen a splice site, but this prediction has not been confirmed by published transcriptional studies. This variant has not been reported in the literature in individuals with POMGNT1-related conditions. This variant is not present in population databases (ExAC no frequency). This sequence change affects codon 307 of the POMGNT1 mRNA. It is a 'silent' change, meaning that it does not change the encoded amino acid sequence of the POMGNT1 protein.

NM_017739.4(POMGNT1):c.921T>A (p.Ile307=)

Genes: POMGNT1 (protein O-linked mannose N-acetylglucosaminyltransferase 1 (beta 1,2-); minus strand), TSPAN1 (tetraspanin 1; plus strand). Cytogenetic location: 1p34.1.
Variant type: single nucleotide variant.
Coding change: c.921T>A on transcript NM_017739.4 (MANE Select); coding-DNA position 921, T replaced by A.
Protein change: p.Ile307=; no amino-acid change (isoleucine 307 retained).
Molecular consequence: synonymous variant.
Genome position (GRCh38, 1-based): chr1:46,193,884, A>T on the plus strand (T>A on the coding strand, the complement: POMGNT1 is on the minus strand). VCF-style: chr1-46193884-A-T. GRCh37 (hg19) VCF-style: chr1-46659556-A-T.
Other names: c.921T>A, p.Ile307= (NM_001243766.2, NM_001410783.1); c.855T>A, p.Ile285= (NM_001290129.3); c.492T>A, p.Ile164= (NM_001290130.2).
Identifiers: ClinVar variation 1431610 (VCV001431610.8), dbSNP rs71653997, ClinGen allele CA417718620.